The following is an entry in ClinVar:

ClinVar aggregate classification (germline): Uncertain significance. Review status: criteria provided, multiple submitters, no conflicts (2 of 4 stars). 2 submissions from 2 submitters: Uncertain significance (2). Last evaluated 2024-11-27.

Submissions (2):

GeneDx
Classification: Uncertain significance. Last evaluated: 2024-11-27. Review status: criteria provided, single submitter. Criteria: GeneDx Variant Classification Process June 2021. Collection method: clinical testing. Allele origin: germline. Affected: yes.
Comment: In silico analysis supports that this missense variant has a deleterious effect on protein structure/function; Not observed at significant frequency in large population cohorts (gnomAD); Has not been previously published as pathogenic or benign to our knowledge; This variant is associated with the following publications: (PMID: 22785106, 25008398)

CeGaT Center for Human Genetics Tuebingen
Classification: Uncertain significance. Last evaluated: 2022-05-01. Review status: criteria provided, single submitter. Criteria: CeGaT Center For Human Genetics Tuebingen Variant Classification Criteria Version 2. Collection method: clinical testing. Allele origin: germline. Affected: yes. Observed: 1 variant allele.
Comment: KIF5A: PM2, PP2, PP3

NM_004984.4(KIF5A):c.722A>G (p.Lys241Arg)

Gene: KIF5A (kinesin family member 5A; plus strand). Cytogenetic location: 12q13.3.
Variant type: single nucleotide variant.
Coding change: c.722A>G on transcript NM_004984.4 (MANE Select); coding-DNA position 722, A replaced by G.
Protein change: p.Lys241Arg; replaces lysine 241 with arginine.
Molecular consequence: missense variant.
Genome position (GRCh38, 1-based): chr12:57,568,970, A>G. VCF-style: chr12-57568970-A-G. GRCh37 (hg19) VCF-style: chr12-57962753-A-G.
Other names: c.722A>G (NM_004984.2); c.455A>G, p.Lys152Arg (NM_001354705.2); short protein forms K152R, K241R.
Identifiers: ClinVar variation 1694669 (VCV001694669.32), dbSNP rs2140162538, ClinGen allele CA385499813.